The following is an entry in ClinVar:

NM_025074.7(FRAS1):c.109G>A (p.Asp37Asn)

Gene: FRAS1 (Fraser extracellular matrix complex subunit 1; plus strand). Cytogenetic location: 4q21.21.
Variant type: single nucleotide variant.
Coding change: c.109G>A on transcript NM_025074.7 (MANE Select); coding-DNA position 109, G replaced by A.
Protein change: p.Asp37Asn; replaces aspartic acid 37 with asparagine.
Molecular consequence: missense variant.
Genome position (GRCh38, 1-based): chr4:78,237,510, G>A. VCF-style: chr4-78237510-G-A. GRCh37 (hg19) VCF-style: chr4-79158664-G-A.
Other names: c.109G>A, p.Asp37Asn (NM_001166133.2); short protein forms D37N.
Identifiers: ClinVar variation 1201255 (VCV001201255.4), dbSNP rs2110114875, ClinGen allele CA357351419.

ClinVar aggregate classification (germline): Uncertain significance. Review status: criteria provided, multiple submitters, no conflicts (2 of 4 stars). 2 submissions from 2 submitters: Uncertain significance (2). Last evaluated 2022-01-17.

Conditions:
Fraser syndrome 1 (FRASRS1). Also called: CRYPTOPHTHALMOS WITH OTHER MALFORMATIONS. Identifiers: Orphanet 2052, MedGen C4551480, MONDO:0054737, OMIM 219000.

Allele frequency attached by ClinVar (database versions not stated): gnomAD exomes below 0.00001.
gnomAD v4.1: 4 of 1,611,908 alleles (0.00025%); highest among the groups gnomAD compares: Non-Finnish European, 0.00017%; no homozygotes.

Submissions (2):

Fulgent Genetics
Classification: Uncertain significance for Fraser syndrome 1. Last evaluated: 2022-01-17. Review status: criteria provided, single submitter. Criteria: ACMG Guidelines, 2015. Collection method: clinical testing. Allele origin: unknown.

GeneDx
Classification: Uncertain significance. Last evaluated: 2019-03-26. Review status: criteria provided, single submitter. Criteria: GeneDx Variant Classification Process June 2021. Collection method: clinical testing. Allele origin: germline. Affected: yes.
Comment: Not observed in large population cohorts (Lek et al., 2016); In silico analysis, which includes protein predictors and evolutionary conservation, supports that this variant does not alter protein structure/function; Has not been previously published as pathogenic or benign to our knowledge